The following is an entry in ClinVar:

NM_020988.3(GNAO1):c.894A>T (p.Glu298Asp)

Gene: GNAO1 (G protein subunit alpha o1; plus strand). Cytogenetic location: 16q13.
Variant type: single nucleotide variant.
Coding change: c.894A>T on transcript NM_020988.3 (MANE Select); coding-DNA position 894, A replaced by T.
Protein change: p.Glu298Asp; replaces glutamic acid 298 with aspartic acid.
Molecular consequence: missense variant.
Genome position (GRCh38, 1-based): chr16:56,354,882, A>T. VCF-style: chr16-56354882-A-T. GRCh37 (hg19) VCF-style: chr16-56388794-A-T.
Other names: short protein forms E298D.
Identifiers: ClinVar variation 962184 (VCV000962184.10), dbSNP rs2037953814, ClinGen allele CA395954986.

ClinVar aggregate classification (germline): Uncertain significance (1 of 4 stars; one submission).

Conditions:
Early-infantile DEE. Also called: Ohtahara syndrome; Early infantile epileptic encephalopathy with suppression bursts; Early infantile epileptic encephalopathy. Identifiers: Orphanet 1934, MedGen C0393706, MONDO:0800491.

Allele frequency attached by ClinVar (database versions not stated): gnomAD exomes below 0.00001.
gnomAD v4.1: 3 of 1,612,462 alleles (0.00019%); highest among the groups gnomAD compares: South Asian, 0.0033%; 1 homozygote.

Submission:

Labcorp Genetics (formerly Invitae), Labcorp
Classification: Uncertain significance for Early-infantile DEE. Last evaluated: 2019-09-13. Review status: criteria provided, single submitter. Criteria: Invitae Variant Classification Sherloc (09022015). Collection method: clinical testing. Allele origin: germline.
Comment: In summary, the available evidence is currently insufficient to determine the role of this variant in disease. Therefore, it has been classified as a Variant of Uncertain Significance. Algorithms developed to predict the effect of missense changes on protein structure and function (SIFT, PolyPhen-2, Align-GVGD) all suggest that this variant is likely to be tolerated, but these predictions have not been confirmed by published functional studies and their clinical significance is uncertain. This variant has not been reported in the literature in individuals with GNAO1-related conditions. This variant is not present in population databases (ExAC no frequency). This sequence change replaces glutamic acid with aspartic acid at codon 298 of the GNAO1 protein (p.Glu298Asp). The glutamic acid residue is weakly conserved and there is a small physicochemical difference between glutamic acid and aspartic acid.